The following is an entry in ClinVar:

ClinVar aggregate classification (germline): Uncertain significance (1 of 4 stars; one submission).

Conditions:
Usher syndrome type 3B. Also called: USHER SYNDROME, TYPE IIIB. Identifiers: MedGen C3281066, MONDO:0013788, OMIM 614504.

Allele frequency attached by ClinVar (database versions not stated): ExAC 0.00001; gnomAD 0.00001; gnomAD exomes 0.00001; TOPMed 0.00001.

Submission:

Labcorp Genetics (formerly Invitae), Labcorp
Classification: Uncertain significance for Usher syndrome type 3B. Last evaluated: 2024-10-17. Review status: criteria provided, single submitter. Criteria: Invitae Variant Classification Sherloc (09022015). Collection method: clinical testing. Allele origin: germline.
Comment: This sequence change replaces leucine, which is neutral and non-polar, with proline, which is neutral and non-polar, at codon 217 of the HARS protein (p.Leu217Pro). This variant is present in population databases (rs762921085, gnomAD 0.03%). This variant has not been reported in the literature in individuals affected with HARS-related conditions. ClinVar contains an entry for this variant (Variation ID: 1006941). Invitae Evidence Modeling of protein sequence and biophysical properties (such as structural, functional, and spatial information, amino acid conservation, physicochemical variation, residue mobility, and thermodynamic stability) indicates that this missense variant is expected to disrupt HARS protein function with a positive predictive value of 80%. In summary, the available evidence is currently insufficient to determine the role of this variant in disease. Therefore, it has been classified as a Variant of Uncertain Significance.

NM_002109.6(HARS1):c.650T>C (p.Leu217Pro)

Gene: HARS1 (histidyl-tRNA synthetase 1; minus strand). Cytogenetic location: 5q31.3.
Variant type: single nucleotide variant.
Coding change: c.650T>C on transcript NM_002109.6 (MANE Select); coding-DNA position 650, T replaced by C.
Protein change: p.Leu217Pro; replaces leucine 217 with proline.
Molecular consequence: missense variant.
Genome position (GRCh38, 1-based): chr5:140,677,734, A>G on the plus strand (T>C on the coding strand, the complement: HARS1 is on the minus strand). VCF-style: chr5-140677734-A-G. GRCh37 (hg19) VCF-style: chr5-140057319-A-G.
Other names: c.530T>C, p.Leu177Pro (NM_001258040.3); c.590T>C, p.Leu197Pro (NM_001258041.3); c.470T>C, p.Leu157Pro (NM_001258042.3); c.428T>C, p.Leu143Pro (NM_001289092.2); c.308T>C, p.Leu103Pro (NM_001289093.2); c.563T>C, p.Leu188Pro (NM_001289094.2); short protein forms L103P, L143P, L157P, L177P, L188P, L197P, L217P.
Identifiers: ClinVar variation 1006941 (VCV001006941.8), dbSNP rs762921085, ClinGen allele CA3444028.